The following is an entry in ClinVar:

ClinVar aggregate classification (germline): Uncertain significance (1 of 4 stars; one submission).

Conditions:
Gastrointestinal stromal tumor. Also called: Gastrointestinal stromal tumor, somatic; Gastrointestinal stroma tumor. Identifiers: Orphanet 44890, MedGen C0238198, MeSH D046152, MONDO:0011719, OMIM 606764, HP:0100723.

Submission:

Labcorp Genetics (formerly Invitae), Labcorp
Classification: Uncertain significance for Gastrointestinal stromal tumor. Last evaluated: 2024-10-30. Review status: criteria provided, single submitter. Criteria: Invitae Variant Classification Sherloc (09022015). Collection method: clinical testing. Allele origin: germline.
Comment: This sequence change creates a premature translational stop signal (p.Val469Leufs*35) in the PDGFRA gene. It is expected to result in an absent or disrupted protein product. However, the current clinical and genetic evidence is not sufficient to establish whether loss-of-function variants in PDGFRA cause disease. This variant is not present in population databases (gnomAD no frequency). This variant has not been reported in the literature in individuals affected with PDGFRA-related conditions. In summary, the available evidence is currently insufficient to determine the role of this variant in disease. Therefore, it has been classified as a Variant of Uncertain Significance.

NM_006206.6(PDGFRA):c.1405_1406del (p.Val469fs)

Gene: PDGFRA (platelet derived growth factor receptor alpha; plus strand). Cytogenetic location: 4q12.
Variant type: Deletion.
Coding change: c.1405_1406del on transcript NM_006206.6 (MANE Select); coding-DNA positions 1405 to 1406, 2 bases deleted (GT; older notation c.1405_1406delGT).
Protein change: p.Val469fs; shifts the reading frame from valine 469.
Molecular consequence: frameshift variant.
Genome position (GRCh38, 1-based): chr4:54,273,577-54,273,578, GT deleted; deleting any 2 consecutive bases within chr4:54,273,576-54,273,578 gives the same sequence; the c. name uses the placement nearest the transcript's 3' end. VCF-style (leftmost placement, unchanged base first): chr4-54273575-ATG-A. GRCh37 (hg19) VCF-style: chr4-55139742-ATG-A.
Other names: c.1405_1406del, p.Val469fs (NM_001347827.2, NM_001347829.2); c.1480_1481del, p.Val494fs (NM_001347828.2); c.1444_1445del, p.Val482fs (NM_001347830.2); short protein forms V469fs, V482fs, V494fs.
Identifiers: ClinVar variation 3724160 (VCV003724160.2).
Genomic context (GRCh38, chr4:54,273,575, plus strand): 5'-CTTAGGCCCTTTTTCTCTCTAGATGTAATAATGAAACTTCCTGGACTATTTTGGCCAACA[ATG>A]TCTCAAACATCATCACGGAGATCCACTCCCGAGACAGGAGTACCGTGGAGGGCCGTGTGA-3'